The following is an entry in ClinVar:

ClinVar aggregate classification (germline): Uncertain significance (1 of 4 stars; one submission).

Submission:

Mayo Clinic Laboratories, Mayo Clinic
Classification: Uncertain significance. Last evaluated: 2022-12-27. Review status: criteria provided, single submitter. Criteria: ACMG Guidelines, 2015. Collection method: clinical testing. Allele origin: germline. Observed: 1 variant allele.
Comment: BP4, PM2

NM_024854.5(PYROXD1):c.856C>T (p.His286Tyr)

Gene: PYROXD1 (pyridine nucleotide-disulphide oxidoreductase domain 1; plus strand). Cytogenetic location: 12p12.1.
Variant type: single nucleotide variant.
Coding change: c.856C>T on transcript NM_024854.5 (MANE Select); coding-DNA position 856, C replaced by T.
Protein change: p.His286Tyr; replaces histidine 286 with tyrosine.
Molecular consequence: missense variant.
Genome position (GRCh38, 1-based): chr12:21,461,130, C>T. VCF-style: chr12-21461130-C-T. GRCh37 (hg19) VCF-style: chr12-21614064-C-T.
Other names: p.His286Tyr; c.643C>T, p.His215Tyr (NM_001350912.2); c.79C>T, p.His27Tyr (NM_001350913.2); short protein forms H215Y, H27Y, H286Y.
Identifiers: ClinVar variation 2683187 (VCV002683187.1), dbSNP rs2540271707, ClinGen allele CA384109483.